The following is an entry in ClinVar:

NC_000007.13:g.(?_21818556)_(21882386_?)del

Gene: DNAH11 (dynein axonemal heavy chain 11; plus strand). Cytogenetic location: 7p15.3.
Variant type: Deletion.
Identifiers: ClinVar variation 3245636 (VCV003245636.1).

ClinVar aggregate classification (germline): Pathogenic (1 of 4 stars; one submission).

Conditions:
Primary ciliary dyskinesia. Also called: Ciliary dyskinesia. Identifiers: Orphanet 244, MedGen C0008780, MONDO:0016575, HP:0012265.

Submission:

Labcorp Genetics (formerly Invitae), Labcorp
Classification: Pathogenic for Primary ciliary dyskinesia. Last evaluated: 2023-04-16. Review status: criteria provided, single submitter. Criteria: Invitae Variant Classification Sherloc (09022015). Collection method: clinical testing. Allele origin: unknown.
Comment: This variant has not been reported in the literature in individuals affected with DNAH11-related conditions. This variant is a gross deletion of the genomic region encompassing exon(s) 57-66 of the DNAH11 gene. This variant would be expected to be in-frame, preserving the integrity of the reading frame. This variant disrupts a region of the DNAH11 protein in which other variant(s) (p.Trp3299Ser) have been determined to be pathogenic (Invitae). This suggests that this is a clinically significant region of the protein, and that variants that disrupt it are likely to be disease-causing. For these reasons, this variant has been classified as Pathogenic.